The following is an entry in ClinVar:

ClinVar aggregate classification (germline): Conflicting classifications of pathogenicity. Review status: criteria provided, conflicting classifications (1 of 4 stars). 5 submissions from 5 submitters: Uncertain significance (1); Benign (1); Likely benign (2). 1 of the submissions does not count toward it. Last evaluated 2026-01-12.

Conditions:
Duchenne muscular dystrophy (DMD). Also called: MUSCULAR DYSTROPHY, PSEUDOHYPERTROPHIC PROGRESSIVE, DUCHENNE TYPE; Duchenne Muscular Dystrophy (DMD). Identifiers: Orphanet 98896, MedGen C0013264, MONDO:0010679, OMIM 310200.
Cardiomyopathy (CMYO). Also called: Cardiomyopathies. Identifiers: Orphanet 167848, MedGen C0878544, MONDO:0004994, HP:0001638. Inheritance: Various modes of inheritance.
Becker muscular dystrophy (BMD). Also called: MUSCULAR DYSTROPHY, PSEUDOHYPERTROPHIC PROGRESSIVE, BECKER TYPE; Becker Muscular Dystrophy (BMD). Identifiers: Orphanet 98895, MedGen C0917713, MONDO:0010311, OMIM 300376.
Dystrophin deficiency.

Allele frequency attached by ClinVar (database versions not stated): gnomAD exomes 0.00002; ExAC 0.00003; gnomAD 0.00022 and 0.00025; TOPMed 0.00023; ESP Exome Variant Server 0.00038.
gnomAD v4.1: 45 of 1,202,609 alleles (0.0037%); highest among the groups gnomAD compares: African/African-American, 0.072%; no homozygotes.

Submissions (5):

Labcorp Genetics (formerly Invitae), Labcorp
Classification: Benign for Duchenne muscular dystrophy. Last evaluated: 2026-01-12. Review status: criteria provided, single submitter. Criteria: Invitae Variant Classification Sherloc (09022015). Collection method: clinical testing. Allele origin: germline.

Mayo Clinic Laboratories, Mayo Clinic
Classification: Likely benign. Last evaluated: 2025-06-17. Review status: criteria provided, single submitter. Criteria: ACMG Guidelines, 2015. Collection method: clinical testing. Allele origin: germline. Observed: 1 variant allele.
Comment: BS2_supporting, BP4, BP7

GeneDx
Classification: Likely benign. Last evaluated: 2020-10-08. Review status: criteria provided, single submitter. Criteria: GeneDx Variant Classification Process June 2021. Collection method: clinical testing. Allele origin: germline. Affected: yes.

Eurofins Ntd Llc (ga)
Classification: Uncertain significance. Last evaluated: 2017-11-27. Review status: criteria provided, single submitter. Criteria: EGL Classification Definitions 2015. Collection method: clinical testing. Allele origin: germline. Observed: 1 variant allele, 1 heterozygote.

Natera, Inc.
Classification: Likely benign for Becker muscular dystrophy; Cardiomyopathy; Duchenne muscular dystrophy; Dystrophin deficiency. Last evaluated: 2019-06-27. Review status: no assertion criteria provided. Collection method: clinical testing. Allele origin: germline. Not counted in ClinVar's aggregate classification.

NM_004006.3(DMD):c.9287-8C>T

Gene: DMD (dystrophin; minus strand). Cytogenetic location: Xp21.2.
Variant type: single nucleotide variant.
Coding change: c.9287-8C>T on transcript NM_004006.3 (MANE Select); 8 bases into the intron before coding-DNA position 9287, C replaced by T.
Molecular consequence: intron variant.
Genome position (GRCh38, 1-based): chrX:31,223,129, G>A on the plus strand (C>T on the coding strand, the complement: DMD is on the minus strand). VCF-style: chrX-31223129-G-A. GRCh37 (hg19) VCF-style: chrX-31241246-G-A.
Other names: p.?; c.9263-8C>T (NM_000109.4); c.5264-8C>T (NM_004011.4); c.5255-8C>T (NM_004012.4); c.1907-8C>T (NM_004023.3, NM_004020.4, NM_004022.3 and 2 more transcripts); c.1100-8C>T (NM_004014.3); c.83-8C>T (NM_004018.3, NM_004017.3, NM_004016.3 and 2 more transcripts); c.9275-8C>T (NM_004009.3); and 1 more.
Identifiers: ClinVar variation 509137 (VCV000509137.20), dbSNP rs371035624, ClinGen allele CA10377833.